The following is an entry in ClinVar:

ClinVar aggregate classification (germline): Likely benign (1 of 4 stars; one submission).

Allele frequency attached by ClinVar (database versions not stated): 1000 Genomes Project 0.00040; 1000 Genomes Project 30x 0.00094; TOPMed 0.00147; ESP Exome Variant Server 0.00200; gnomAD 0.00208; gnomAD exomes 0.00245; ExAC 0.00343.
gnomAD v4.1: 3,818 of 1,595,632 alleles (0.24%); highest among the groups gnomAD compares: Non-Finnish European, 0.26%; 168 homozygotes.

Submission:

CeGaT Center for Human Genetics Tuebingen
Classification: Likely benign. Last evaluated: 2023-02-01. Review status: criteria provided, single submitter. Criteria: CeGaT Center For Human Genetics Tuebingen Variant Classification Criteria Version 2. Collection method: clinical testing. Allele origin: germline. Affected: yes. Observed: 1 variant allele.
Comment: CDK11A: BP4, BS2

NM_024011.4(CDK11A):c.1757A>T (p.Gln586Leu)

Gene: CDK11A (cyclin dependent kinase 11A; minus strand). Cytogenetic location: 1p36.33.
Variant type: single nucleotide variant.
Coding change: c.1757A>T on transcript NM_024011.4 (MANE Select); coding-DNA position 1757, A replaced by T.
Protein change: p.Gln586Leu; replaces glutamine 586 with leucine.
Molecular consequence: missense variant. On other transcripts: non-coding transcript variant (2).
Genome position (GRCh38, 1-based): chr1:1,704,076, T>A on the plus strand (A>T on the coding strand, the complement: CDK11A is on the minus strand). VCF-style: chr1-1704076-T-A. GRCh37 (hg19) VCF-style: chr1-1635515-T-A.
Other names: c.1766A>T, p.Gln589Leu (NM_001313896.2); c.1754A>T, p.Gln585Leu (NM_001313982.2); c.1727A>T, p.Gln576Leu (NM_033529.4); short protein forms Q576L, Q585L, Q586L, Q589L.
Identifiers: ClinVar variation 2638054 (VCV002638054.24), dbSNP rs56410233, ClinGen allele CA530054.
Genomic context (GRCh38, chr1:1,704,076, plus strand): 5'-GCACTCAGACGCCCAGGACTCACCTTGGCACCAAGCAGCAGCTCTGGGGCGCGGTACCAC[T>A]GGGTCACCACGACCGGGGTGTAGGCCTTCAGAGGGGATCCGTACTCCCGCGCCAGCCCAA-3'
Protein context (NP_076916.2, residues 576-596): LKAYTPVVVT[Gln586Leu]WYRAPELLLG